The following is an entry in ClinVar:

NM_000321.3(RB1):c.184C>T (p.Gln62Ter)

Gene: RB1 (RB transcriptional corepressor 1; plus strand). Cytogenetic location: 13q14.2.
Variant type: single nucleotide variant.
Coding change: c.184C>T on transcript NM_000321.3 (MANE Select); coding-DNA position 184, C replaced by T.
Protein change: p.Gln62Ter; replaces glutamine 62 with a stop codon.
Molecular consequence: nonsense.
Genome position (GRCh38, 1-based): chr13:48,307,326, C>T. VCF-style: chr13-48307326-C-T. GRCh37 (hg19) VCF-style: chr13-48881462-C-T.
Other names: c.184C>T (NM_000321.2); short protein forms Q62*.
Identifiers: ClinVar variation 1417347 (VCV001417347.9), dbSNP rs2138034088, ClinGen allele CA388250525.

ClinVar aggregate classification (germline): Pathogenic. Review status: criteria provided, multiple submitters, no conflicts (2 of 4 stars). 2 submissions from 2 submitters: Pathogenic (2). Last evaluated 2025-12-09.

Conditions:
Retinoblastoma (RB1). Also called: RETINOBLASTOMA, SOMATIC. Identifiers: Orphanet 790, MedGen C0035335, MeSH D012175, MONDO:0008380, OMIM 180200, HP:0009919. Disease mechanism: loss of function. Inheritance: Both sporadic and heritable forms are tested..
Hereditary cancer-predisposing syndrome. Also called: Hereditary Cancer Syndrome; Tumor predisposition; Hereditary neoplastic syndrome; Neoplastic Syndromes, Hereditary. Identifiers: Orphanet 140162, MedGen C0027672, MeSH D009386, MONDO:0015356.

Submissions (2):

Ambry Genetics
Classification: Pathogenic for Hereditary cancer-predisposing syndrome. Last evaluated: 2025-12-09. Review status: criteria provided, single submitter. Criteria: Ambry Variant Classification Scheme 2023. Collection method: clinical testing. Allele origin: germline.
Comment: The p.Q62* variant (also known as c.184C>T), located in coding exon 2 of the RB1 gene, results from a C to T substitution at nucleotide position 184. This changes the amino acid from a glutamine to a stop codon within coding exon 2. This variant was reported in individual(s) with features consistent with RB1-related hereditary retinoblastoma (Shahraki K et al. Eye (Lond), 2017 Apr;31:620-627; Ambry internal data). This variant is considered to be rare based on population cohorts in the Genome Aggregation Database (gnomAD). This alteration is expected to result in loss of function by premature protein truncation or nonsense-mediated mRNA decay. As such, this alteration is interpreted as a disease-causing mutation.

Labcorp Genetics (formerly Invitae), Labcorp
Classification: Pathogenic for Retinoblastoma. Last evaluated: 2025-01-02. Review status: criteria provided, single submitter. Criteria: Invitae Variant Classification Sherloc (09022015). Collection method: clinical testing. Allele origin: germline.
Comment: This sequence change creates a premature translational stop signal (p.Gln62*) in the RB1 gene. It is expected to result in an absent or disrupted protein product. Loss-of-function variants in RB1 are known to be pathogenic (PMID: 17096365). This variant is not present in population databases (gnomAD no frequency). This premature translational stop signal has been observed in individual(s) with bilateral retinoblastoma (PMID: 27983729). ClinVar contains an entry for this variant (Variation ID: 1417347). For these reasons, this variant has been classified as Pathogenic.

Literature cited by the submitters: PubMed 27983729 (cited by Ambry Genetics and Labcorp Genetics (formerly Invitae), Labcorp); PubMed 17096365 (cited by Labcorp Genetics (formerly Invitae), Labcorp).